The following is an entry in ClinVar:

ClinVar aggregate classification (germline): Uncertain significance. Review status: criteria provided, multiple submitters, no conflicts (2 of 4 stars). 2 submissions from 2 submitters: Uncertain significance (2). Last evaluated 2022-02-16.

Allele frequency attached by ClinVar (database versions not stated): gnomAD exomes below 0.00001; ExAC 0.00003; gnomAD 0.00005; TOPMed 0.00005; ESP Exome Variant Server 0.00015.
gnomAD v4.1: 10 of 1,613,924 alleles (0.00062%); highest among the groups gnomAD compares: African/African-American, 0.013%; no homozygotes.

Submissions (2):

Labcorp Genetics (formerly Invitae), Labcorp
Classification: Uncertain significance. Last evaluated: 2022-02-16. Review status: criteria provided, single submitter. Criteria: Invitae Variant Classification Sherloc (09022015). Collection method: clinical testing. Allele origin: germline.
Comment: In summary, the available evidence is currently insufficient to determine the role of this variant in disease. Therefore, it has been classified as a Variant of Uncertain Significance. Advanced modeling of protein sequence and biophysical properties (such as structural, functional, and spatial information, amino acid conservation, physicochemical variation, residue mobility, and thermodynamic stability) performed at Invitae indicates that this missense variant is expected to disrupt GNAT2 protein function. This variant has not been reported in the literature in individuals affected with GNAT2-related conditions. This variant is present in population databases (rs372515497, gnomAD 0.02%). This sequence change replaces glycine, which is neutral and non-polar, with serine, which is neutral and polar, at codon 60 of the GNAT2 protein (p.Gly60Ser).

Blueprint Genetics
Classification: Uncertain significance. Last evaluated: 2018-08-08. Review status: criteria provided, single submitter. Criteria: ACMG Guidelines, 2015. Collection method: clinical testing. Allele origin: germline.

NM_001377295.2(GNAT2):c.178G>A (p.Gly60Ser)

Gene: GNAT2 (G protein subunit alpha transducin 2; minus strand). Cytogenetic location: 1p13.3.
Variant type: single nucleotide variant.
Coding change: c.178G>A on transcript NM_001377295.2 (MANE Select); coding-DNA position 178, G replaced by A.
Protein change: p.Gly60Ser; replaces glycine 60 with serine.
Molecular consequence: missense variant.
Genome position (GRCh38, 1-based): chr1:109,610,165, C>T on the plus strand (G>A on the coding strand, the complement: GNAT2 is on the minus strand). VCF-style: chr1-109610165-C-T. GRCh37 (hg19) VCF-style: chr1-110152787-C-T.
Other names: c.178G>A, p.Gly60Ser (NM_001379232.1, NM_005272.5); short protein forms G60S.
Identifiers: ClinVar variation 2416448 (VCV002416448.6), dbSNP rs372515497, ClinGen allele CA992491.